The following is an entry in ClinVar:

ClinVar aggregate classification (germline): Uncertain significance (1 of 4 stars; one submission).

gnomAD v4.1: 7 of 1,357,136 alleles (0.00052%); highest among the groups gnomAD compares: Non-Finnish European, 0.00069%; no homozygotes.

Submission:

Labcorp Genetics (formerly Invitae), Labcorp
Classification: Uncertain significance. Last evaluated: 2022-02-21. Review status: criteria provided, single submitter. Criteria: Invitae Variant Classification Sherloc (09022015). Collection method: clinical testing. Allele origin: germline.
Comment: This sequence change replaces serine, which is neutral and polar, with arginine, which is basic and polar, at codon 1094 of the ERCC6L2 protein (p.Ser1094Arg). This variant is not present in population databases (gnomAD no frequency). This variant has not been reported in the literature in individuals affected with ERCC6L2-related conditions. Algorithms developed to predict the effect of missense changes on protein structure and function are either unavailable or do not agree on the potential impact of this missense change (SIFT: "Tolerated"; PolyPhen-2: "Not Available"; Align-GVGD: "Class C0"). In summary, the available evidence is currently insufficient to determine the role of this variant in disease. Therefore, it has been classified as a Variant of Uncertain Significance.

NM_020207.7(ERCC6L2):c.3249C>A (p.Ser1083Arg)

Gene: ERCC6L2 (ERCC excision repair 6 like 2; plus strand). Cytogenetic location: 9q22.32.
Variant type: single nucleotide variant.
Coding change: c.3249C>A on transcript NM_020207.7 (MANE Select); coding-DNA position 3249, C replaced by A.
Protein change: p.Ser1083Arg; replaces serine 1083 with arginine.
Molecular consequence: missense variant. On other transcripts: non-coding transcript variant (1).
Genome position (GRCh38, 1-based): chr9:95,973,000, C>A. VCF-style: chr9-95973000-C-A. GRCh37 (hg19) VCF-style: chr9-98735282-C-A.
Other names: c.3249C>A, p.Ser1083Arg (NM_001375291.1, NM_001375292.1, NM_001375293.1 and 1 more transcripts); short protein forms S1083R.
Identifiers: ClinVar variation 2100987 (VCV002100987.4), dbSNP rs759828628, ClinGen allele CA196597900.